The following is an entry in ClinVar:

ClinVar aggregate classification (germline): Likely benign (1 of 4 stars; one submission).

Submission:

CeGaT Center for Human Genetics Tuebingen
Classification: Likely benign. Last evaluated: 2022-10-01. Review status: criteria provided, single submitter. Criteria: CeGaT Center For Human Genetics Tuebingen Variant Classification Criteria Version 2. Collection method: clinical testing. Allele origin: germline. Affected: yes. Observed: 1 variant allele.
Comment: TERF2IP: PM2:Supporting, BP4, BP7

NC_000016.10:g.75760064A>C

Gene: TERF2IP (TERF2 interacting protein; plus strand). Cytogenetic location: 16q23.1.
Variant type: single nucleotide variant.
Genome position: GRCh38 VCF-style: chr16-75760064-A-C. GRCh37 (hg19) VCF-style: chr16-75793962-A-C.
Identifiers: ClinVar variation 2646883 (VCV002646883.24), dbSNP rs1960025427, ClinGen allele CA496651562.